The following is an entry in ClinVar:

ClinVar aggregate classification (germline): Pathogenic. Review status: reviewed by expert panel (3 of 4 stars). 4 submissions from 4 submitters: Pathogenic (1). 3 of the submissions do not count toward it. Last evaluated 2026-01-20.

Conditions:
Open-angle glaucoma. Identifiers: MedGen C0017612, MONDO:0005338, HP:0012108.
Glaucoma 1, open angle, A (GLC1A). Also called: Glaucoma, Dominant (Juvenile Onset). Identifiers: Orphanet 98977, MedGen C1842028, MONDO:0007664, OMIM 137750.

Allele frequency attached by ClinVar (database versions not stated): TOPMed below 0.00001.

Submissions (4):

ClinGen Glaucoma Variant Curation Expert Panel
Classification: Pathogenic for Open-angle glaucoma. Last evaluated: 2026-01-20. Review status: reviewed by expert panel. Criteria: ClinGen Glaucoma ACMG Specifications V2.0.0 Approved. Collection method: curation. Allele origin: germline. Inheritance: Autosomal dominant inheritance.
Comment: The c.1099G>A variant in MYOC is a missense variant predicted to cause substitution of Glycine by Arginine at amino acid 367 (p.Gly367Arg). This variant was not found in any genetic ancestry group of gnomAD (v4.1.0), meeting the ≤ 0.0001 threshold set for PM2_Supporting in a genetic ancestry group of at least 10,000 alleles. The REVEL score = 0.787, which was within the 0.773-0.931 range for PP3_Moderate, predicting a damaging effect on MYOC function. The Gly367Arg protein had increased insolubility and instability and reduced secretion levels compared to wild type myocilin protein in these studies (PMIDs: 35196929, 16466712, 36267417, 21612213, 23129764). The assays met the OddsPath threshold for PS3_Moderate (> 4.3), indicating that this variant did impact protein function. This protein has also been assessed in this other study (PMID: 17679945), however, the same level of evidence was not met. 35 segregations in 7 families, with juvenile or primary open angle glaucoma (JOAG or POAG), have been reported (PMIDs: 17304254, 32300215, 12189160, 11815346), which fulfilled PP1_Strong (≥7 meioses in >1 family). There were many more families published than presented here. 16 probands with JOAG or POAG have been reported carrying this variant (PMIDs: 32300215, 12189160, 11774072, 9345106, 23453510, 12872267, 14627955, 12442283, 17304254), which met PS4 (≥ 15 probands). There were many more probands published than presented here. In summary, this variant met the criteria to receive a score of 13 and to be classified as pathogenic (pathogenic classification ≥ 10, adapted from PMID: 32720330) for juvenile open angle glaucoma based on the ACMG/AMP criteria met, as specified by the ClinGen Glaucoma VCEP (v2.0.0, 5 Dec 2024): PS4, PP1_Strong, PS3_Moderate, PP3_Moderate, PM2_Supporting

CeGaT Center for Human Genetics Tuebingen
Classification: Pathogenic. Last evaluated: 2025-01-01. Review status: criteria provided, single submitter. Criteria: CeGaT Center For Human Genetics Tuebingen Variant Classification Criteria Version 2. Collection method: clinical testing. Allele origin: germline. Affected: yes. Observed: 1 variant allele. Not counted in ClinVar's aggregate classification.
Comment: MYOC: PP1:Strong, PM1, PM2, PS4:Moderate, PS3:Supporting

GeneDx
Classification: Pathogenic. Last evaluated: 2021-08-16. Review status: criteria provided, single submitter. Criteria: GeneDx Variant Classification Process June 2021. Collection method: clinical testing. Allele origin: germline. Affected: yes. Not counted in ClinVar's aggregate classification.
Comment: Published functional studies demonstrate the variant results in failure to be secreted into the extracellular medium compared to wildtype (Gobeil et al., 2006); Not observed at significant frequency in large population cohorts (Lek et al., 2016); In silico analysis supports that this missense variant has a deleterious effect on protein structure/function; This variant is associated with the following publications: (PMID: 25582056, 12872267, 9345106, 10974305, 16466712, 32300215, 11774072, 28282485, 29600168, 21655360, 26095806, 23129764, 10340787, 12189160, 11815346, 17304254, 25524706)

OMIM
Classification: Pathogenic for GLAUCOMA 1, OPEN ANGLE, A. Last evaluated: 1997-11-01. Review status: no assertion criteria provided. Collection method: literature only. Allele origin: germline. Not counted in ClinVar's aggregate classification.

Literature cited by the submitters: PubMed 36267417 (cited by ClinGen Glaucoma Variant Curation Expert Panel); PubMed 21612213 (cited by ClinGen Glaucoma Variant Curation Expert Panel); PubMed 23129764 (cited by ClinGen Glaucoma Variant Curation Expert Panel); PubMed 25524706 (cited by ClinGen Glaucoma Variant Curation Expert Panel); PubMed 35196929 (cited by ClinGen Glaucoma Variant Curation Expert Panel); PubMed 9345106 (cited by OMIM).

NM_000261.2(MYOC):c.1099G>A (p.Gly367Arg)

Gene: MYOC (myocilin; minus strand). Cytogenetic location: 1q24.3.
Variant type: single nucleotide variant.
Coding change: c.1099G>A on transcript NM_000261.2 (MANE Select); coding-DNA position 1099, G replaced by A.
Protein change: p.Gly367Arg; replaces glycine 367 with arginine.
Molecular consequence: missense variant.
Genome position (GRCh38, 1-based): chr1:171,636,341, C>T on the plus strand (G>A on the coding strand, the complement: MYOC is on the minus strand). VCF-style: chr1-171636341-C-T. GRCh37 (hg19) VCF-style: chr1-171605481-C-T.
Other names: NM_000261.2(MYOC):c.1099G>A; short protein forms G367R.
Identifiers: ClinVar variation 7952 (VCV000007952.20), dbSNP rs74315334, ClinGen allele CA119176.
Genomic context (GRCh38, chr1:171,636,341, plus strand): 5'-CTGCTTCATCCACAGCCAAGTCAATGTCCGTGTAGCCACCCCAAGAATACGGGAACTGTC[C>T]GTGGTAGCCAGCTCCAGGGATTTCCTTCTCAGCCTTCACTGTCTCGGTATTCAGCTCATA-3'
Protein context (NP_000252.1, residues 357-377): EKEIPGAGYH[Gly367Arg]QFPYSWGGYT